The following is an entry in ClinVar:

NM_018896.5(CACNA1G):c.6824T>C (p.Leu2275Pro)

Gene: CACNA1G (calcium voltage-gated channel subunit alpha1 G; plus strand). Cytogenetic location: 17q21.33.
Variant type: single nucleotide variant.
Coding change: c.6824T>C on transcript NM_018896.5 (MANE Select); coding-DNA position 6824, T replaced by C.
Protein change: p.Leu2275Pro; replaces leucine 2275 with proline.
Molecular consequence: missense variant. On other transcripts: non-coding transcript variant (5).
Genome position (GRCh38, 1-based): chr17:50,626,441, T>C. VCF-style: chr17-50626441-T-C. GRCh37 (hg19) VCF-style: chr17-48703802-T-C.
Other names: c.6635T>C, p.Leu2212Pro (NM_001256324.2); c.6566T>C, p.Leu2189Pro (NM_001256325.2); c.6554T>C, p.Leu2185Pro (NM_001256326.2); c.6524T>C, p.Leu2175Pro (NM_001256327.2); c.6470T>C, p.Leu2157Pro (NM_001256328.2); c.6443T>C, p.Leu2148Pro (NM_001256329.2, NM_198387.3); c.6410T>C, p.Leu2137Pro (NM_001256330.2); c.6389T>C, p.Leu2130Pro (NM_001256331.2); and 18 more; short protein forms L2092P, L2157P, L2182P, L2212P, L2230P, L2137P, L2144P, L2146P.
Identifiers: ClinVar variation 2038196 (VCV002038196.28), dbSNP rs370540873, ClinGen allele CA8653740.

ClinVar aggregate classification (germline): Likely benign. Review status: criteria provided, multiple submitters, no conflicts (2 of 4 stars). 4 submissions from 4 submitters: Likely benign (4). Last evaluated 2025-04-20.

Conditions:
Inborn genetic diseases. Identifiers: MedGen C0950123, MeSH D030342.

Allele frequency attached by ClinVar (database versions not stated): ESP Exome Variant Server 0.00016; gnomAD exomes 0.00019; gnomAD 0.00023; TOPMed 0.00031; ExAC 0.00045.
gnomAD v4.1: 320 of 1,606,116 alleles (0.02%); highest among the groups gnomAD compares: Middle Eastern, 0.099%; 1 homozygote.

Submissions (4):

Labcorp Genetics (formerly Invitae), Labcorp
Classification: Likely benign. Last evaluated: 2025-04-20. Review status: criteria provided, single submitter. Criteria: Invitae Variant Classification Sherloc (09022015). Collection method: clinical testing. Allele origin: germline.

Blueprint Genetics
Classification: Likely benign. Last evaluated: 2024-07-16. Review status: criteria provided, single submitter. Criteria: ACMG Guidelines, 2015. Collection method: clinical testing. Allele origin: germline.

CeGaT Center for Human Genetics Tuebingen
Classification: Likely benign. Last evaluated: 2024-02-01. Review status: criteria provided, single submitter. Criteria: CeGaT Center For Human Genetics Tuebingen Variant Classification Criteria Version 2. Collection method: clinical testing. Allele origin: germline. Affected: yes. Observed: 1 variant allele.
Comment: CACNA1G: BS1

Ambry Genetics
Classification: Likely benign for Inborn genetic diseases. Last evaluated: 2021-12-06. Review status: criteria provided, single submitter. Criteria: Ambry Variant Classification Scheme 2023. Collection method: clinical testing. Allele origin: germline.